The following is an entry in ClinVar:

ClinVar aggregate classification (germline): Uncertain significance (1 of 4 stars; one submission).

Conditions:
Netherton syndrome (NETH). Also called: NETHERTON DISEASE; ERYTHRODERMA, ICHTHYOSIFORM, WITH HYPOTRICHOSIS AND HYPER-IgE; COMEL-NETHERTON SYNDROME. Identifiers: Orphanet 634, MedGen C5574950, MONDO:0009735, OMIM 256500.

Submission:

Labcorp Genetics (formerly Invitae), Labcorp
Classification: Uncertain significance for Ichthyosis linearis circumflexa. Last evaluated: 2021-09-02. Review status: criteria provided, single submitter. Criteria: Invitae Variant Classification Sherloc (09022015). Collection method: clinical testing. Allele origin: germline.
Comment: This sequence change replaces arginine with lysine at codon 816 of the SPINK5 protein (p.Arg816Lys). The arginine residue is moderately conserved and there is a small physicochemical difference between arginine and lysine. This variant is not present in population databases (ExAC no frequency). This variant has not been reported in the literature in individuals affected with SPINK5-related conditions. Algorithms developed to predict the effect of missense changes on protein structure and function output the following: SIFT: "Tolerated"; PolyPhen-2: "Benign"; Align-GVGD: "Class C0". The lysine amino acid residue is found in multiple mammalian species, which suggests that this missense change does not adversely affect protein function. In summary, the available evidence is currently insufficient to determine the role of this variant in disease. Therefore, it has been classified as a Variant of Uncertain Significance.

NM_006846.4(SPINK5):c.2447G>A (p.Arg816Lys)

Gene: SPINK5 (serine peptidase inhibitor Kazal type 5; plus strand). Cytogenetic location: 5q32.
Variant type: single nucleotide variant.
Coding change: c.2447G>A on transcript NM_006846.4 (MANE Select); coding-DNA position 2447, G replaced by A.
Protein change: p.Arg816Lys; replaces arginine 816 with lysine.
Molecular consequence: missense variant.
Genome position (GRCh38, 1-based): chr5:148,120,300, G>A. VCF-style: chr5-148120300-G-A. GRCh37 (hg19) VCF-style: chr5-147499863-G-A.
Other names: c.2447G>A, p.Arg816Lys (NM_001127698.2, NM_001127699.2); short protein forms R816K.
Identifiers: ClinVar variation 1019592 (VCV001019592.7), dbSNP rs1754220479, ClinGen allele CA361646542.